The following is an entry in ClinVar:

NM_004006.3(DMD):c.9468del (p.Ile3157fs)

Gene: DMD (dystrophin; minus strand). Cytogenetic location: Xp21.2.
Variant type: Deletion.
Coding change: c.9468del on transcript NM_004006.3 (MANE Select); coding-DNA position 9468, one base deleted (T; older notation c.9468delT).
Protein change: p.Ile3157fs; shifts the reading frame from isoleucine 3157.
Molecular consequence: frameshift variant.
Genome position (GRCh38, 1-based): chrX:31,209,593, A deleted on the plus strand (T on the coding strand, the reverse complement: DMD is on the minus strand). VCF-style (leftmost placement, unchanged base first): chrX-31209592-TA-T. GRCh37 (hg19) VCF-style: chrX-31227709-TA-T.
Other names: c.9444del, p.Ile3149fs (NM_000109.4); c.9456del, p.Ile3153fs (NM_004009.3); c.9099del, p.Ile3034fs (NM_004010.3); c.5445del, p.Ile1816fs (NM_004011.4); c.5436del, p.Ile1813fs (NM_004012.4); c.2088del, p.Ile697fs (NM_004013.3, NM_004020.4, NM_004021.3 and 2 more transcripts); c.1281del, p.Ile428fs (NM_004014.3); c.264del, p.Ile89fs (NM_004015.3, NM_004016.3, NM_004017.3 and 2 more transcripts); and 1 more; short protein forms I1816fs, I3153fs, I3157fs, I89fs, I3149fs, I1813fs, I3034fs, I428fs.
Identifiers: ClinVar variation 647196 (VCV000647196.9), dbSNP rs1602728959, ClinGen allele CA915950873.

ClinVar aggregate classification (germline): Pathogenic (1 of 4 stars; one submission).

Conditions:
Duchenne muscular dystrophy (DMD). Also called: MUSCULAR DYSTROPHY, PSEUDOHYPERTROPHIC PROGRESSIVE, DUCHENNE TYPE; Duchenne Muscular Dystrophy (DMD). Identifiers: Orphanet 98896, MedGen C0013264, MONDO:0010679, OMIM 310200.

Submission:

Labcorp Genetics (formerly Invitae), Labcorp
Classification: Pathogenic for Duchenne muscular dystrophy. Last evaluated: 2018-10-16. Review status: criteria provided, single submitter. Criteria: Invitae Variant Classification Sherloc (09022015). Collection method: clinical testing. Allele origin: germline.
Comment: This sequence change creates a premature translational stop signal (p.Ile3157Phefs*23) in the DMD gene. It is expected to result in an absent or disrupted protein product. This variant is not present in population databases (ExAC no frequency). For these reasons, this variant has been classified as Pathogenic. Loss-of-function variants in DMD are known to be pathogenic (PMID: 16770791, 25007885). This variant has not been reported in the literature in individuals with DMD-related disease.

Literature cited by the submitters: PubMed 16770791; PubMed 25007885.